The following is an entry in ClinVar:

NM_001031710.3(KLHL7):c.793A>T (p.Ser265Cys)

Gene: KLHL7 (kelch like family member 7; plus strand). Cytogenetic location: 7p15.3.
Variant type: single nucleotide variant.
Coding change: c.793A>T on transcript NM_001031710.3 (MANE Select); coding-DNA position 793, A replaced by T.
Protein change: p.Ser265Cys; replaces serine 265 with cysteine.
Molecular consequence: missense variant. On other transcripts: non-coding transcript variant (1).
Genome position (GRCh38, 1-based): chr7:23,144,025, A>T. VCF-style: chr7-23144025-A-T. GRCh37 (hg19) VCF-style: chr7-23183644-A-T.
Other names: c.649A>T, p.Ser217Cys (NM_018846.5); short protein forms S217C, S265C.
Identifiers: ClinVar variation 1931747 (VCV001931747.5), dbSNP rs779697312, ClinGen allele CA4186477.

ClinVar aggregate classification (germline): Uncertain significance (1 of 4 stars; one submission).

Allele frequency attached by ClinVar (database versions not stated): ExAC 0.00002; gnomAD 0.00002; gnomAD exomes 0.00002; TOPMed 0.00002.
gnomAD v4.1: 30 of 1,612,592 alleles (0.0019%); highest among the groups gnomAD compares: Non-Finnish European, 0.0024%; no homozygotes.

Submission:

Labcorp Genetics (formerly Invitae), Labcorp
Classification: Uncertain significance. Last evaluated: 2025-12-07. Review status: criteria provided, single submitter. Criteria: Invitae Variant Classification Sherloc (09022015). Collection method: clinical testing. Allele origin: germline.
Comment: This sequence change replaces serine, which is neutral and polar, with cysteine, which is neutral and slightly polar, at codon 265 of the KLHL7 protein (p.Ser265Cys). This variant is present in population databases (rs779697312, gnomAD 0.005%). This variant has not been reported in the literature in individuals affected with KLHL7-related conditions. ClinVar contains an entry for this variant (Variation ID: 1931747). An algorithm developed to predict the effect of missense changes on protein structure and function (PolyPhen-2) suggests that this variant is likely to be tolerated. In summary, the available evidence is currently insufficient to determine the role of this variant in disease. Therefore, it has been classified as a Variant of Uncertain Significance.